The following is an entry in ClinVar:

NM_003978.5(PSTPIP1):c.926A>G (p.Lys309Arg)

Gene: PSTPIP1 (proline-serine-threonine phosphatase interacting protein 1; plus strand). Cytogenetic location: 15q24.3.
Variant type: single nucleotide variant.
Coding change: c.926A>G on transcript NM_003978.5 (MANE Select); coding-DNA position 926, A replaced by G.
Protein change: p.Lys309Arg; replaces lysine 309 with arginine.
Molecular consequence: missense variant. On other transcripts: intron variant (1).
Genome position (GRCh38, 1-based): chr15:77,032,949, A>G. VCF-style: chr15-77032949-A-G. GRCh37 (hg19) VCF-style: chr15-77325290-A-G.
Other names: c.899A>G, p.Lys300Arg (NM_001321136.2); c.1121A>G, p.Lys374Arg (NM_001321137.1); c.926A>G, p.Lys309Arg (NM_001411086.1); c.872+521A>G (NM_001321135.2); short protein forms K309R, K374R, K300R.
Identifiers: ClinVar variation 3671997 (VCV003671997.2).

ClinVar aggregate classification (germline): Uncertain significance (1 of 4 stars; one submission).

Conditions:
Pyogenic arthritis-pyoderma gangrenosum-acne syndrome (PAPA). Also called: FAMILIAL RECURRENT ARTHRITIS; PAPA SYNDROME. Identifiers: Orphanet 69126, MedGen C1858361, MONDO:0011462, OMIM 604416.

Submission:

Labcorp Genetics (formerly Invitae), Labcorp
Classification: Uncertain significance for Pyogenic arthritis-pyoderma gangrenosum-acne syndrome. Last evaluated: 2024-10-24. Review status: criteria provided, single submitter. Criteria: Invitae Variant Classification Sherloc (09022015). Collection method: clinical testing. Allele origin: germline.
Comment: This sequence change replaces lysine, which is basic and polar, with arginine, which is basic and polar, at codon 309 of the PSTPIP1 protein (p.Lys309Arg). This variant is not present in population databases (gnomAD no frequency). This variant has not been reported in the literature in individuals affected with PSTPIP1-related conditions. Invitae Evidence Modeling of protein sequence and biophysical properties (such as structural, functional, and spatial information, amino acid conservation, physicochemical variation, residue mobility, and thermodynamic stability) indicates that this missense variant is not expected to disrupt PSTPIP1 protein function with a negative predictive value of 80%. In summary, the available evidence is currently insufficient to determine the role of this variant in disease. Therefore, it has been classified as a Variant of Uncertain Significance.